The following is an entry in ClinVar:

NM_001136271.3(NKX2-6):c.364G>T (p.Gly122Cys)

Gene: NKX2-6 (NK2 homeobox 6; minus strand). Cytogenetic location: 8p21.2.
Variant type: single nucleotide variant.
Coding change: c.364G>T on transcript NM_001136271.3 (MANE Select); coding-DNA position 364, G replaced by T.
Protein change: p.Gly122Cys; replaces glycine 122 with cysteine.
Molecular consequence: missense variant.
Genome position (GRCh38, 1-based): chr8:23,702,993, C>A on the plus strand (G>T on the coding strand, the complement: NKX2-6 is on the minus strand). VCF-style: chr8-23702993-C-A. GRCh37 (hg19) VCF-style: chr8-23560506-C-A.
Other names: short protein forms G122C.
Identifiers: ClinVar variation 1041818 (VCV001041818.5), dbSNP rs772831506, ClinGen allele CA370603143.

ClinVar aggregate classification (germline): Uncertain significance (1 of 4 stars; one submission).

Conditions:
Conotruncal heart malformations (CTHM). Also called: Conotruncal heart malformations, variable. Identifiers: Orphanet 2445, Orphanet 3384, Orphanet 3426, MedGen C1857586, MONDO:0016581, OMIM 217095.

Submission:

Labcorp Genetics (formerly Invitae), Labcorp
Classification: Uncertain significance for Conotruncal heart malformations. Last evaluated: 2022-07-19. Review status: criteria provided, single submitter. Criteria: Invitae Variant Classification Sherloc (09022015). Collection method: clinical testing. Allele origin: germline.
Comment: In summary, the available evidence is currently insufficient to determine the role of this variant in disease. Therefore, it has been classified as a Variant of Uncertain Significance. Algorithms developed to predict the effect of missense changes on protein structure and function are either unavailable or do not agree on the potential impact of this missense change (SIFT: "Deleterious"; PolyPhen-2: "Benign"; Align-GVGD: "Class C15"). ClinVar contains an entry for this variant (Variation ID: 1041818). This variant has not been reported in the literature in individuals affected with NKX2-6-related conditions. This variant is not present in population databases (gnomAD no frequency). This sequence change replaces glycine, which is neutral and non-polar, with cysteine, which is neutral and slightly polar, at codon 122 of the NKX2-6 protein (p.Gly122Cys).